The following is an entry in ClinVar:

NM_024757.5(EHMT1):c.1553C>T (p.Pro518Leu)

Genes: EHMT1 (euchromatic histone lysine methyltransferase 1; plus strand), LOC130003148 (ATAC-STARR-seq lymphoblastoid active region 29369; plus strand). Cytogenetic location: 9q34.3.
Variant type: single nucleotide variant.
Coding change: c.1553C>T on transcript NM_024757.5 (MANE Select); coding-DNA position 1553, C replaced by T.
Protein change: p.Pro518Leu; replaces proline 518 with leucine.
Molecular consequence: missense variant.
Genome position (GRCh38, 1-based): chr9:137,762,726, C>T. VCF-style: chr9-137762726-C-T. GRCh37 (hg19) VCF-style: chr9-140657178-C-T.
Other names: c.1553C>T, p.Pro518Leu (NM_001145527.2, NM_001354611.2); c.1460C>T, p.Pro487Leu (NM_001354259.2, NM_001354612.2); c.1532C>T, p.Pro511Leu (NM_001354263.2); short protein forms P487L, P511L, P518L.
Identifiers: ClinVar variation 4797813 (VCV004797813.1).

ClinVar aggregate classification (germline): Uncertain significance (1 of 4 stars; one submission).

Conditions:
Kleefstra syndrome 1 (KLEFS1). Identifiers: Orphanet 261494, MedGen C0795833, MONDO:0027407, OMIM 610253.

gnomAD v4.1: 2 of 1,614,152 alleles (0.00012%); highest among the groups gnomAD compares: Non-Finnish European, 0.00017%; no homozygotes.

Submission:

Labcorp Genetics (formerly Invitae), Labcorp
Classification: Uncertain significance for Kleefstra syndrome 1. Last evaluated: 2026-01-28. Review status: criteria provided, single submitter. Criteria: Invitae Variant Classification Sherloc (09022015). Collection method: clinical testing. Allele origin: germline.
Comment: This sequence change replaces proline, which is neutral and non-polar, with leucine, which is neutral and non-polar, at codon 518 of the EHMT1 protein (p.Pro518Leu). This variant is present in population databases (no rsID available, gnomAD 0.007%). This variant has not been reported in the literature in individuals affected with EHMT1-related conditions. Invitae Evidence Modeling of protein sequence and biophysical properties (such as structural, functional, and spatial information, amino acid conservation, physicochemical variation, residue mobility, and thermodynamic stability) indicates that this missense variant is not expected to disrupt EHMT1 protein function with a negative predictive value of 80%. In summary, the available evidence is currently insufficient to determine the role of this variant in disease. Therefore, it has been classified as a Variant of Uncertain Significance.